The following is an entry in ClinVar:

NM_181507.2(HPS5):c.2369C>T (p.Ala790Val)

Gene: HPS5 (HPS5 biogenesis of lysosomal organelles complex 2 subunit 2; minus strand). Cytogenetic location: 11p15.1.
Variant type: single nucleotide variant.
Coding change: c.2369C>T on transcript NM_181507.2 (MANE Select); coding-DNA position 2369, C replaced by T.
Protein change: p.Ala790Val; replaces alanine 790 with valine.
Molecular consequence: missense variant.
Genome position (GRCh38, 1-based): chr11:18,291,513, G>A on the plus strand (C>T on the coding strand, the complement: HPS5 is on the minus strand). VCF-style: chr11-18291513-G-A. GRCh37 (hg19) VCF-style: chr11-18313060-G-A.
Other names: c.2027C>T, p.Ala676Val (NM_007216.4, NM_181508.2); short protein forms A790V, A676V.
Identifiers: ClinVar variation 1350738 (VCV001350738.6), dbSNP rs200872830, ClinGen allele CA5909873.

ClinVar aggregate classification (germline): Conflicting classifications of pathogenicity. Review status: criteria provided, conflicting classifications (1 of 4 stars). 2 submissions from 2 submitters: Uncertain significance (1); Likely benign (1). Last evaluated 2022-01-15.

Conditions:
Inborn genetic diseases. Identifiers: MedGen C0950123, MeSH D030342.

Allele frequency attached by ClinVar (database versions not stated): gnomAD 0.00016 and 0.00017; ExAC 0.00017; ESP Exome Variant Server 0.00031.
gnomAD v4.1: 143 of 1,611,756 alleles (0.0089%); highest among the groups gnomAD compares: South Asian, 0.071%; no homozygotes.

Submissions (2):

Labcorp Genetics (formerly Invitae), Labcorp
Classification: Uncertain significance. Last evaluated: 2022-01-15. Review status: criteria provided, single submitter. Criteria: Invitae Variant Classification Sherloc (09022015). Collection method: clinical testing. Allele origin: germline.
Comment: This sequence change replaces alanine, which is neutral and non-polar, with valine, which is neutral and non-polar, at codon 790 of the HPS5 protein (p.Ala790Val). This variant is present in population databases (rs200872830, gnomAD 0.07%). This variant has not been reported in the literature in individuals affected with HPS5-related conditions. Algorithms developed to predict the effect of missense changes on protein structure and function output the following: SIFT: "Tolerated"; PolyPhen-2: "Benign"; Align-GVGD: "Class C0". The valine amino acid residue is found in multiple mammalian species, which suggests that this missense change does not adversely affect protein function. In summary, the available evidence is currently insufficient to determine the role of this variant in disease. Therefore, it has been classified as a Variant of Uncertain Significance.

Ambry Genetics
Classification: Likely benign for Inborn genetic diseases. Last evaluated: 2021-08-09. Review status: criteria provided, single submitter. Criteria: Ambry Variant Classification Scheme 2023. Collection method: clinical testing. Allele origin: germline.